The following is an entry in ClinVar:

NM_001354930.2(RIPK1):c.1547C>T (p.Thr516Ile)

Gene: RIPK1 (receptor interacting serine/threonine kinase 1; plus strand). Cytogenetic location: 6p25.2.
Variant type: single nucleotide variant.
Coding change: c.1547C>T on transcript NM_001354930.2 (MANE Select); coding-DNA position 1547, C replaced by T.
Protein change: p.Thr516Ile; replaces threonine 516 with isoleucine.
Molecular consequence: missense variant.
Genome position (GRCh38, 1-based): chr6:3,106,022, C>T. VCF-style: chr6-3106022-C-T. GRCh37 (hg19) VCF-style: chr6-3106256-C-T.
Other names: c.1058C>T, p.Thr353Ile (NM_001317061.3, NM_001354932.2, NM_001354933.2 and 1 more transcripts); c.1409C>T, p.Thr470Ile (NM_001354931.2); c.1547C>T, p.Thr516Ile (NM_003804.6); short protein forms T353I, T516I, T470I.
Identifiers: ClinVar variation 1390519 (VCV001390519.6), dbSNP rs1240535079, ClinGen allele CA362573943.
Genomic context (GRCh38, chr6:3,106,022, plus strand): 5'-ATATGCCTAGTCTGCATAATATCCCAGTGCCTGAGACCAACTATCTAGGAAATACACCCA[C>T]CATGCCATTCAGCTCCTTGCCACCAACAGGTAAATGGGTCTTCGATAGTCACAAGCTTGT-3'
Protein context (NP_001341859.1, residues 506-526): PETNYLGNTP[Thr516Ile]MPFSSLPPTD

ClinVar aggregate classification (germline): Uncertain significance (1 of 4 stars; one submission).

Allele frequency attached by ClinVar (database versions not stated): gnomAD exomes below 0.00001; TOPMed below 0.00001; gnomAD 0.00001.
gnomAD v4.1: 3 of 1,609,846 alleles (0.00019%); highest among the groups gnomAD compares: African/African-American, 0.004%; no homozygotes.

Submission:

Labcorp Genetics (formerly Invitae), Labcorp
Classification: Uncertain significance. Last evaluated: 2024-04-24. Review status: criteria provided, single submitter. Criteria: Invitae Variant Classification Sherloc (09022015). Collection method: clinical testing. Allele origin: germline.
Comment: This sequence change replaces threonine, which is neutral and polar, with isoleucine, which is neutral and non-polar, at codon 516 of the RIPK1 protein (p.Thr516Ile). This variant is present in population databases (no rsID available, gnomAD 0.008%). This variant has not been reported in the literature in individuals affected with RIPK1-related conditions. ClinVar contains an entry for this variant (Variation ID: 1390519). An algorithm developed to predict the effect of missense changes on protein structure and function (PolyPhen-2) suggests that this variant is likely to be disruptive. In summary, the available evidence is currently insufficient to determine the role of this variant in disease. Therefore, it has been classified as a Variant of Uncertain Significance.